The following is an entry in ClinVar:

ClinVar aggregate classification (germline): Pathogenic (0 of 4 stars; one submission).

Conditions:
Steinert myotonic dystrophy syndrome (DM1). Also called: STEINERT DISEASE; Myotonic dystrophy type 1; Dystrophia myotonica type 1; Steinert myotonic dystrophy; Steinert's disease. Identifiers: Orphanet 273, MedGen C3250443, MONDO:0008056, OMIM 160900.

Submission:

Institute of Molecular, Cell and Systems Biology, University of Glasgow
Classification: Pathogenic for Steinert myotonic dystrophy syndrome. Review status: no assertion criteria provided. Criteria: research. Collection method: research. Allele origin: germline. Inheritance: Autosomal dominant inheritance. Affected: yes. Observed: 1 heterozygote.
Comment: DMPK CTG repeat expansions greater than approximately 45-50 repeats are assumed to be pathogenic

This record is based on data published in PubMed 25052313, which reports only ClinVar accessions SCV000120188 and SCV000120189. The complete data set includes SCV000207445 - SCV000207579.

Literature cited by the submitters: PubMed 1346923; PubMed 1546326; PubMed 25052313.

NM_004409.5(DMPK):c.*224CTG[372]

Genes: DM1-AS (DM1 locus antisense RNA; plus strand), DMPK (DM1 protein kinase; minus strand), LOC107075317 (origin of replication in DMPK trinucleotide repeat region; plus strand), LOC109461477 (dystrophia myotonica protein kinase repeat instability region; plus strand). Cytogenetic location: 19q13.32.
Variant type: Microsatellite.
Coding change: c.*224CTG[372] on transcript NM_004409.5 (MANE Select); 372 copies in a row of the 3-base unit CTG starting at c.*224.
Molecular consequence: 3 prime UTR variant.
Genome position: GRCh38, VCF-style position (the base before the change): chr19:45,770,204. GRCh37 (hg19), VCF-style position (the base before the change): chr19:46,273,462.
Other names: DM1 CTG repeat expansion; c.*369CTG[372] (NM_001424168.1, NM_001424164.1, NM_001288766.2); c.*224CTG[372] (NM_001424169.1, NM_001081560.3, NM_001424165.1 and 1 more transcripts); c.*217CTG[372] (NM_001081562.3, NM_001424166.1, NM_001288765.2 and 2 more transcripts); c.*222_*224TGC[372] (NM_001081563.3).
Identifiers: ClinVar variation 187969 (VCV000187969.1), ClinGen allele CA915951779.